The following is an entry in ClinVar:

NM_000136.3(FANCC):c.251-2A>C

Gene: FANCC (FA complementation group C; minus strand). Cytogenetic location: 9q22.32.
Variant type: single nucleotide variant.
Coding change: c.251-2A>C on transcript NM_000136.3 (MANE Select); the canonical splice acceptor site of the intron before coding-DNA position 251, A replaced by C.
Molecular consequence: splice acceptor variant.
Genome position (GRCh38, 1-based): chr9:95,240,745, T>G on the plus strand (A>C on the coding strand, the complement: FANCC is on the minus strand). VCF-style: chr9-95240745-T-G. GRCh37 (hg19) VCF-style: chr9-98003027-T-G.
Other names: c.251-2A>C (NM_001243743.2, NM_001243744.2).
Identifiers: ClinVar variation 371370 (VCV000371370.8), dbSNP rs1057517219, ClinGen allele CA16041351.

ClinVar aggregate classification (germline): Pathogenic/Likely pathogenic. Review status: criteria provided, multiple submitters, no conflicts (2 of 4 stars). 3 submissions from 3 submitters: Pathogenic (1); Likely pathogenic (1). 1 of the submissions does not count toward it. Last evaluated 2022-11-09.

Conditions:
Hereditary cancer-predisposing syndrome. Also called: Tumor predisposition; Hereditary neoplastic syndrome; Neoplastic Syndromes, Hereditary; Hereditary Cancer Syndrome. Identifiers: Orphanet 140162, MedGen C0027672, MeSH D009386, MONDO:0015356.
Fanconi anemia (FA). Also called: Fanconi's anemia. Identifiers: Orphanet 84, MedGen C0015625, MeSH D005199, MONDO:0019391.
Fanconi anemia complementation group C (FANCC). Also called: Fanconi anemia, group C; FANCONI PANCYTOPENIA, TYPE 3; FACC; FANCC-Related Fanconi Anemia. Identifiers: Orphanet 84, MedGen C3468041, MONDO:0009213, OMIM 227645.

Submissions (3):

Labcorp Genetics (formerly Invitae), Labcorp
Classification: Pathogenic for Fanconi anemia. Last evaluated: 2022-11-09. Review status: criteria provided, single submitter. Criteria: Invitae Variant Classification Sherloc (09022015). Collection method: clinical testing. Allele origin: germline.
Comment: Algorithms developed to predict the effect of sequence changes on RNA splicing suggest that this variant may disrupt the consensus splice site. For these reasons, this variant has been classified as Pathogenic. ClinVar contains an entry for this variant (Variation ID: 371370). Disruption of this splice site has been observed in individual(s) with clinical features of Fanconi anemia (Invitae). In at least one individual the data is consistent with being in trans (on the opposite chromosome) from a pathogenic variant. This variant is not present in population databases (gnomAD no frequency). This sequence change affects an acceptor splice site in intron 3 of the FANCC gene. It is expected to disrupt RNA splicing. Variants that disrupt the donor or acceptor splice site typically lead to a loss of protein function (PMID: 16199547), and loss-of-function variants in FANCC are known to be pathogenic (PMID: 17924555).

Ambry Genetics
Classification: Likely pathogenic for Hereditary cancer-predisposing syndrome. Last evaluated: 2021-10-06. Review status: criteria provided, single submitter. Criteria: Ambry Variant Classification Scheme 2023. Collection method: clinical testing. Allele origin: germline.
Comment: The c.251-2A>C intronic variant results from an A to C substitution two nucleotides before coding exon 3 in the FANCC gene. This variant is considered to be rare based on population cohorts in the Genome Aggregation Database (gnomAD). This nucleotide position is highly conserved in available vertebrate species. In silico splice site analysis predicts that this alteration will weaken the native splice acceptor site. Alterations that disrupt the canonical splice site are expected to cause aberrant splicing, resulting in an abnormal protein or a transcript that is subject to nonsense-mediated mRNA decay. As such, this alteration is classified as likely pathogenic.

Counsyl
Classification: Likely pathogenic for Fanconi anemia complementation group C. Last evaluated: 2016-09-07. Review status: no assertion criteria provided. Collection method: clinical testing. Allele origin: unknown. Not counted in ClinVar's aggregate classification.

Literature cited by the submitters: PubMed 16199547 (cited by Labcorp Genetics (formerly Invitae), Labcorp); PubMed 17924555 (cited by Labcorp Genetics (formerly Invitae), Labcorp).